The following is an entry in ClinVar:

ClinVar aggregate classification (germline): Uncertain significance (1 of 4 stars; one submission).

Allele frequency attached by ClinVar (database versions not stated): gnomAD exomes 0.00001; gnomAD 0.00002 and 0.00003; TOPMed 0.00005; ExAC 0.00007; 1000 Genomes Project 30x 0.00031; 1000 Genomes Project 0.00040.
gnomAD v4.1: 13 of 1,289,930 alleles (0.001%); highest among the groups gnomAD compares: African/African-American, 0.015%; no homozygotes.

Submission:

Labcorp Genetics (formerly Invitae), Labcorp
Classification: Uncertain significance. Last evaluated: 2024-12-16. Review status: criteria provided, single submitter. Criteria: Invitae Variant Classification Sherloc (09022015). Collection method: clinical testing. Allele origin: germline.
Comment: This sequence change replaces asparagine, which is neutral and polar, with serine, which is neutral and polar, at codon 928 of the ERCC6L2 protein (p.Asn928Ser). This variant is present in population databases (rs111792370, gnomAD 0.004%). This variant has not been reported in the literature in individuals affected with ERCC6L2-related conditions. ClinVar contains an entry for this variant (Variation ID: 1363377). Experimental studies and prediction algorithms are not available or were not evaluated, and the functional significance of this variant is currently unknown. In summary, the available evidence is currently insufficient to determine the role of this variant in disease. Therefore, it has been classified as a Variant of Uncertain Significance.

NM_020207.7(ERCC6L2):c.2750A>G (p.Asn917Ser)

Gene: ERCC6L2 (ERCC excision repair 6 like 2; plus strand). Cytogenetic location: 9q22.32.
Variant type: single nucleotide variant.
Coding change: c.2750A>G on transcript NM_020207.7 (MANE Select); coding-DNA position 2750, A replaced by G.
Protein change: p.Asn917Ser; replaces asparagine 917 with serine.
Molecular consequence: missense variant. On other transcripts: non-coding transcript variant (1).
Genome position (GRCh38, 1-based): chr9:95,972,501, A>G. VCF-style: chr9-95972501-A-G. GRCh37 (hg19) VCF-style: chr9-98734783-A-G.
Other names: c.2750A>G, p.Asn917Ser (NM_001375291.1, NM_001375292.1, NM_001375293.1 and 1 more transcripts); short protein forms N917S.
Identifiers: ClinVar variation 1363377 (VCV001363377.4), dbSNP rs111792370, ClinGen allele CA5139833.